The following is an entry in ClinVar:

NM_181705.4(LYRM7):c.-34T>G

Gene: LYRM7 (LYR motif containing 7; plus strand). Cytogenetic location: 5q23.3.
Variant type: single nucleotide variant.
Coding change: c.-34T>G on transcript NM_181705.4 (MANE Select); 34 bases upstream of the start codon, T replaced by G.
Molecular consequence: 5 prime UTR variant. On other transcripts: non-coding transcript variant (1).
Genome position (GRCh38, 1-based): chr5:131,170,987, T>G. VCF-style: chr5-131170987-T-G. GRCh37 (hg19) VCF-style: chr5-130506680-T-G.
Other names: c.-34T>G (NM_001293735.2).
Identifiers: ClinVar variation 388665 (VCV000388665.1), dbSNP rs970890294, ClinGen allele CA16604807.

ClinVar aggregate classification (germline): Likely benign (1 of 4 stars; one submission).

Allele frequency attached by ClinVar (database versions not stated): gnomAD exomes below 0.00001 and 0.00001.
gnomAD v4.1: 5 of 1,537,622 alleles (0.00033%); highest among the groups gnomAD compares: Admixed American, 0.011%; no homozygotes.

Submission:

GeneDx
Classification: Likely benign. Last evaluated: 2016-08-23. Review status: criteria provided, single submitter. Criteria: GeneDx Variant Classification (06012015). Collection method: clinical testing. Allele origin: germline. Affected: yes.
Comment: This variant is considered likely benign or benign based on one or more of the following criteria: it is a conservative change, it occurs at a poorly conserved position in the protein, it is predicted to be benign by multiple in silico algorithms, and/or has population frequency not consistent with disease.